The following is an entry in ClinVar:

NM_001277115.2(DNAH11):c.5641C>G (p.Gln1881Glu)

Gene: DNAH11 (dynein axonemal heavy chain 11; plus strand). Cytogenetic location: 7p15.3.
Variant type: single nucleotide variant.
Coding change: c.5641C>G on transcript NM_001277115.2 (MANE Select); coding-DNA position 5641, C replaced by G.
Protein change: p.Gln1881Glu; replaces glutamine 1881 with glutamic acid.
Molecular consequence: missense variant.
Genome position (GRCh38, 1-based): chr7:21,687,118, C>G. VCF-style: chr7-21687118-C-G. GRCh37 (hg19) VCF-style: chr7-21726736-C-G.
Other names: short protein forms Q1881E.
Identifiers: ClinVar variation 4242000 (VCV004242000.1).

ClinVar aggregate classification (germline): Uncertain significance (1 of 4 stars; one submission).

Conditions:
Primary ciliary dyskinesia. Also called: Ciliary dyskinesia. Identifiers: Orphanet 244, MedGen C0008780, MONDO:0016575, HP:0012265.

gnomAD v4.1: 3 of 1,613,100 alleles (0.00019%); highest among the groups gnomAD compares: Non-Finnish European, 0.00025%; no homozygotes.

Submission:

Ambry Genetics
Classification: Uncertain significance for Primary ciliary dyskinesia. Last evaluated: 2025-09-03. Review status: criteria provided, single submitter. Criteria: Ambry Variant Classification Scheme 2023. Collection method: clinical testing. Allele origin: germline.
Comment: The p.Q1881E variant (also known as c.5641C>G), located in coding exon 33 of the DNAH11 gene, results from a C to G substitution at nucleotide position 5641. The glutamine at codon 1881 is replaced by glutamic acid, an amino acid with highly similar properties. This amino acid position is conserved. In addition, this alteration is predicted to be tolerated by in silico analysis. Based on the available evidence, the clinical significance of this variant remains unclear.